The following is an entry in ClinVar:

NM_024642.5(GALNT12):c.233G>A (p.Arg78Gln)

Gene: GALNT12 (polypeptide N-acetylgalactosaminyltransferase 12; plus strand). Cytogenetic location: 9q22.33.
Variant type: single nucleotide variant.
Coding change: c.233G>A on transcript NM_024642.5 (MANE Select); coding-DNA position 233, G replaced by A.
Protein change: p.Arg78Gln; replaces arginine 78 with glutamine.
Molecular consequence: missense variant.
Genome position (GRCh38, 1-based): chr9:98,807,931, G>A. VCF-style: chr9-98807931-G-A. GRCh37 (hg19) VCF-style: chr9-101570213-G-A.
Other names: short protein forms R78Q.
Identifiers: ClinVar variation 1789840 (VCV001789840.2), dbSNP rs2118257295, ClinGen allele CA374222575.
Genomic context (GRCh38, chr9:98,807,931, plus strand): 5'-CCGGGCGGCGCGAGCCGGTCATGCCGCGGCCGCCGGTGCCGGCGAACGCGCTGGGCGCGC[G>A]GGGCGAGGCGGTGCGGCTGCAGCTGCAGGGCGAGGAGCTGCGGCTGCAGGAGGAGAGCGT-3'
Protein context (NP_078918.3, residues 68-88): PPVPANALGA[Arg78Gln]GEAVRLQLQG

ClinVar aggregate classification (germline): Uncertain significance (1 of 4 stars; one submission).

Allele frequency attached by ClinVar (database versions not stated): gnomAD 0.00001; 1000 Genomes Project 30x 0.00016.

Submission:

Ambry Genetics
Classification: Uncertain significance. Last evaluated: 2022-02-05. Review status: criteria provided, single submitter. Criteria: Ambry Variant Classification Scheme 2023. Collection method: clinical testing. Allele origin: germline.
Comment: The p.R78Q variant (also known as c.233G>A), located in coding exon 1 of the GALNT12 gene, results from a G to A substitution at nucleotide position 233. The arginine at codon 78 is replaced by glutamine, an amino acid with highly similar properties. This amino acid position is conserved. In addition, this alteration is predicted to be tolerated by in silico analysis. Since supporting evidence is limited at this time, the clinical significance of this alteration remains unclear.